The following is an entry in ClinVar:

ClinVar aggregate classification (germline): Pathogenic/Likely pathogenic. Review status: criteria provided, multiple submitters, no conflicts (2 of 4 stars). 5 submissions from 5 submitters: Pathogenic (2); Likely pathogenic (1). 2 of the submissions do not count toward it. Last evaluated 2026-01-12.

Conditions:
BBS10-related disorder. Also called: BBS10-related condition.
Bardet-Biedl syndrome (BBS). Identifiers: Orphanet 110, MedGen C0752166, MONDO:0015229.
Bardet-Biedl syndrome 1 (BBS1). Identifiers: MedGen C2936862, MONDO:0008854, OMIM 209900. Disease mechanism: loss of function.
Bardet-Biedl syndrome 10 (BBS10). Identifiers: Orphanet 110, MedGen C1859568, MONDO:0014438, OMIM 615987.

Allele frequency attached by ClinVar (database versions not stated): gnomAD exomes below 0.00001; TOPMed below 0.00001; ExAC 0.00001; gnomAD 0.00001.
gnomAD v4.1: 3 of 1,611,268 alleles (0.00019%); highest among the groups gnomAD compares: Non-Finnish European, 0.00025%; no homozygotes.

Submissions (5):

Labcorp Genetics (formerly Invitae), Labcorp
Classification: Pathogenic for Bardet-Biedl syndrome. Last evaluated: 2026-01-12. Review status: criteria provided, single submitter. Criteria: Invitae Variant Classification Sherloc (09022015). Collection method: clinical testing. Allele origin: germline.
Comment: This sequence change replaces valine, which is neutral and non-polar, with leucine, which is neutral and non-polar, at codon 602 of the BBS10 protein (p.Val602Leu). This variant is present in population databases (rs778431173, gnomAD 0.0009%). This missense change has been observed in individual(s) with Bardet-Biedl syndrome (PMID: 21209035, 22410627; internal data). In at least one individual the data is consistent with being in trans (on the opposite chromosome) from a pathogenic variant. ClinVar contains an entry for this variant (Variation ID: 860963). Invitae Evidence Modeling of protein sequence and biophysical properties (such as structural, functional, and spatial information, amino acid conservation, physicochemical variation, residue mobility, and thermodynamic stability) indicates that this missense variant is expected to disrupt BBS10 protein function with a positive predictive value of 80%. For these reasons, this variant has been classified as Pathogenic.

Fulgent Genetics
Classification: Likely pathogenic for Bardet-Biedl syndrome 10. Last evaluated: 2024-04-18. Review status: criteria provided, single submitter. Criteria: ACMG Guidelines, 2015. Collection method: clinical testing. Allele origin: germline.

Baylor Genetics
Classification: Pathogenic for Bardet-Biedl syndrome 10. Last evaluated: 2023-10-11. Review status: criteria provided, single submitter. Criteria: ACMG Guidelines, 2015. Collection method: clinical testing. Allele origin: unknown.

PreventionGenetics, part of Exact Sciences
Classification: Likely pathogenic for BBS10-related condition. Last evaluated: 2024-06-06. Review status: no assertion criteria provided. Collection method: clinical testing. Allele origin: germline. Not counted in ClinVar's aggregate classification.
Comment: The BBS10 c.1804G>C variant is predicted to result in the amino acid substitution p.Val602Leu. This variant has been reported in the compound heterozygous state (Feuillan et al. 2011. PubMed ID: 21209035) and presumed compound heterozygous state (Chen et al. 2011. PubMed ID: 21642631; Internal Data, PreventionGenetics) in individuals with Bardet-Biedl syndrome. This variant is reported in 0.00089% of alleles in individuals of European (non-Finnish) descent in gnomAD. This variant is interpreted as likely pathogenic.

Advanced Center For Translational And Genetic Medicine, Ann & Robert H. Lurie Children's Hospital Of Chicago
Classification: Likely pathogenic for Bardet-Biedl syndrome 1. Last evaluated: 2023-05-10. Review status: no assertion criteria provided. Collection method: research. Allele origin: unknown. Affected: yes. Observed: 1 compound heterozygote. Not counted in ClinVar's aggregate classification.

Literature cited by the submitters: PubMed 21209035 (cited by Labcorp Genetics (formerly Invitae), Labcorp); PubMed 22410627 (cited by Labcorp Genetics (formerly Invitae), Labcorp).

NM_024685.4(BBS10):c.1804G>C (p.Val602Leu)

Gene: BBS10 (Bardet-Biedl syndrome 10; minus strand). Cytogenetic location: 12q21.2.
Variant type: single nucleotide variant.
Coding change: c.1804G>C on transcript NM_024685.4 (MANE Select); coding-DNA position 1804, G replaced by C.
Protein change: p.Val602Leu; replaces valine 602 with leucine.
Molecular consequence: missense variant.
Genome position (GRCh38, 1-based): chr12:76,346,181, C>G on the plus strand (G>C on the coding strand, the complement: BBS10 is on the minus strand). VCF-style: chr12-76346181-C-G. GRCh37 (hg19) VCF-style: chr12-76739961-C-G.
Other names: short protein forms V602L.
Identifiers: ClinVar variation 860963 (VCV000860963.13), dbSNP rs778431173, ClinGen allele CA6694102.
Genomic context (GRCh38, chr12:76,346,181, plus strand): 5'-GGCATTTTTTGGCATAATTGAGAAGATAGTAATGTAACAAGATCTCAAAATTACCACCTA[C>G]TGGCAAAACACAACCAGCTGGCATAGATGAGGAAAGGTAACTCTGGGAAGTACCCATATT-3'
Protein context (NP_078961.3, residues 592-612): SSMPAGCVLP[Val602Leu]GGNFEILLHY